The following is an entry in ClinVar:

ClinVar aggregate classification (germline): Uncertain significance (1 of 4 stars; one submission).

Conditions:
Rhabdoid tumor predisposition syndrome 2 (RTPS2). Identifiers: Orphanet 231108, Orphanet 69077, MedGen C2750074, MONDO:0013224, OMIM 613325.

Submission:

Labcorp Genetics (formerly Invitae), Labcorp
Classification: Uncertain significance for Rhabdoid tumor predisposition syndrome 2. Last evaluated: 2024-05-01. Review status: criteria provided, single submitter. Criteria: Invitae Variant Classification Sherloc (09022015). Collection method: clinical testing. Allele origin: germline.
Comment: This sequence change replaces valine, which is neutral and non-polar, with alanine, which is neutral and non-polar, at codon 1501 of the SMARCA4 protein (p.Val1501Ala). This variant is not present in population databases (gnomAD no frequency). This variant has not been reported in the literature in individuals affected with SMARCA4-related conditions. Advanced modeling of protein sequence and biophysical properties (such as structural, functional, and spatial information, amino acid conservation, physicochemical variation, residue mobility, and thermodynamic stability) has been performed at Invitae for this missense variant, however the output from this modeling did not meet the statistical confidence thresholds required to predict the impact of this variant on SMARCA4 protein function. In summary, the available evidence is currently insufficient to determine the role of this variant in disease. Therefore, it has been classified as a Variant of Uncertain Significance.

NM_003072.5(SMARCA4):c.4406T>C (p.Val1469Ala)

Gene: SMARCA4 (SWI/SNF related BAF chromatin remodeling complex subunit ATPase 4; plus strand). Cytogenetic location: 19p13.2.
Variant type: single nucleotide variant.
Coding change: c.4406T>C on transcript NM_003072.5 (MANE Select); coding-DNA position 4406, T replaced by C.
Protein change: p.Val1469Ala; replaces valine 1469 with alanine.
Molecular consequence: missense variant. On other transcripts: non-coding transcript variant (1).
Genome position (GRCh38, 1-based): chr19:11,041,542, T>C. VCF-style: chr19-11041542-T-C. GRCh37 (hg19) VCF-style: chr19-11152218-T-C.
Other names: c.4406T>C, p.Val1469Ala (NM_001128844.3); c.4316T>C, p.Val1439Ala (NM_001128845.2, NM_001128846.2); c.4307T>C, p.Val1436Ala (NM_001128847.4, NM_001128848.2, NM_001374457.1); c.4502T>C, p.Val1501Ala (NM_001128849.3, NM_001387283.1); c.4403T>C, p.Val1468Ala (NM_001411150.1); short protein forms V1436A, V1468A, V1469A, V1439A, V1501A.
Identifiers: ClinVar variation 3636888 (VCV003636888.2).